The following is an entry in ClinVar:

NM_006949.4(STXBP2):c.1534G>A (p.Val512Ile)

Gene: STXBP2 (syntaxin binding protein 2; plus strand). Cytogenetic location: 19p13.2.
Variant type: single nucleotide variant.
Coding change: c.1534G>A on transcript NM_006949.4 (MANE Select); coding-DNA position 1534, G replaced by A.
Protein change: p.Val512Ile; replaces valine 512 with isoleucine.
Molecular consequence: missense variant. On other transcripts: non-coding transcript variant (1).
Genome position (GRCh38, 1-based): chr19:7,647,243, G>A. VCF-style: chr19-7647243-G-A. GRCh37 (hg19) VCF-style: chr19-7712129-G-A.
Other names: c.1525G>A, p.Val509Ile (NM_001127396.3); c.1567G>A, p.Val523Ile (NM_001272034.2); c.1438G>A, p.Val480Ile (NM_001414484.1); short protein forms V512I, V523I, V480I, V509I.
Identifiers: ClinVar variation 3660719 (VCV003660719.2).

ClinVar aggregate classification (germline): Uncertain significance (1 of 4 stars; one submission).

Conditions:
Familial hemophagocytic lymphohistiocytosis 5. Also called: STXBP2-Related Familial Hemophagocytic Lymphohistiocytosis (STXBP2-fHLH). Identifiers: Orphanet 540, MedGen C2751293, MONDO:0013135, OMIM 613101.

gnomAD v4.1: 9 of 1,611,050 alleles (0.00056%); highest among the groups gnomAD compares: East Asian, 0.02%; no homozygotes.

Submission:

Labcorp Genetics (formerly Invitae), Labcorp
Classification: Uncertain significance for Familial hemophagocytic lymphohistiocytosis 5. Last evaluated: 2024-07-27. Review status: criteria provided, single submitter. Criteria: Invitae Variant Classification Sherloc (09022015). Collection method: clinical testing. Allele origin: germline.
Comment: This sequence change replaces valine, which is neutral and non-polar, with isoleucine, which is neutral and non-polar, at codon 512 of the STXBP2 protein (p.Val512Ile). This variant is not present in population databases (gnomAD no frequency). This variant has not been reported in the literature in individuals affected with STXBP2-related conditions. An algorithm developed to predict the effect of missense changes on protein structure and function (PolyPhen-2) suggests that this variant is likely to be tolerated. In summary, the available evidence is currently insufficient to determine the role of this variant in disease. Therefore, it has been classified as a Variant of Uncertain Significance.